The following is an entry in ClinVar:

NM_015021.3(ZNF292):c.4789C>G (p.Gln1597Glu)

Gene: ZNF292 (zinc finger protein 292; plus strand). Cytogenetic location: 6q14.3.
Variant type: single nucleotide variant.
Coding change: c.4789C>G on transcript NM_015021.3 (MANE Select); coding-DNA position 4789, C replaced by G.
Protein change: p.Gln1597Glu; replaces glutamine 1597 with glutamic acid.
Molecular consequence: missense variant.
Genome position (GRCh38, 1-based): chr6:87,258,418, C>G. VCF-style: chr6-87258418-C-G. GRCh37 (hg19) VCF-style: chr6-87968136-C-G.
Other names: c.4369C>G, p.Gln1457Glu (NM_001351444.2); short protein forms Q1457E, Q1597E.
Identifiers: ClinVar variation 3770055 (VCV003770055.1).
Genomic context (GRCh38, chr6:87,258,418, plus strand): 5'-CTGAAGACTGTTGAAAATGGTTTGTGCTCTAGTTCATTTCCTAATTCTGGTGGGCCATCA[C>G]AAAATTTTACCAGTAACAGTTCTCGTGTTTCTGTTATAAGTGGTCCTCAGAACACAAGAT-3'
Protein context (NP_055836.1, residues 1587-1607): SSFPNSGGPS[Gln1597Glu]NFTSNSSRVS

ClinVar aggregate classification (germline): Uncertain significance (1 of 4 stars; one submission).

gnomAD v4.1: 2 of 1,613,678 alleles (0.00012%); highest among the groups gnomAD compares: South Asian, 0.0011%; no homozygotes.

Submission:

GeneDx
Classification: Uncertain significance. Last evaluated: 2024-09-11. Review status: criteria provided, single submitter. Criteria: GeneDx Variant Classification Process June 2021. Collection method: clinical testing. Allele origin: germline. Affected: yes.
Comment: In silico analysis indicates that this missense variant does not alter protein structure/function; Has not been previously published as pathogenic or benign to our knowledge